The following is an entry in ClinVar:

NM_004984.4(KIF5A):c.477C>T (p.Asp159=)

Gene: KIF5A (kinesin family member 5A; plus strand). Cytogenetic location: 12q13.3.
Variant type: single nucleotide variant.
Coding change: c.477C>T on transcript NM_004984.4 (MANE Select); coding-DNA position 477, C replaced by T.
Protein change: p.Asp159=; no amino-acid change (aspartic acid 159 retained).
Molecular consequence: synonymous variant.
Genome position (GRCh38, 1-based): chr12:57,564,949, C>T. VCF-style: chr12-57564949-C-T. GRCh37 (hg19) VCF-style: chr12-57958732-C-T.
Other names: c.210C>T, p.Asp70= (NM_001354705.2).
Identifiers: ClinVar variation 5041498 (VCV005041498.1).

ClinVar aggregate classification (germline): Likely benign (1 of 4 stars; one submission).

gnomAD v4.1: 3 of 1,614,058 alleles (0.00019%); highest among the groups gnomAD compares: Non-Finnish European, 0.00025%; no homozygotes.

Submission:

CeGaT Center for Human Genetics Tuebingen
Classification: Likely benign. Last evaluated: 2026-09-01. Review status: criteria provided, single submitter. Criteria: CeGaT Center For Human Genetics Tuebingen Variant Classification Criteria Version 2. Collection method: clinical testing. Allele origin: germline. Affected: yes. Observed: 1 variant allele.
Comment: KIF5A: BP4, BP7